The following is an entry in ClinVar:

ClinVar aggregate classification (germline): Pathogenic (1 of 4 stars; one submission).

Conditions:
Developmental and epileptic encephalopathy, 9 (DEE9). Also called: EPILEPSY, FEMALE-RESTRICTED, WITH MENTAL RETARDATION; Early infantile epileptic encephalopathy 9; JUBERG-HELLMAN SYNDROME; PCDH19-Related X-Linked Female-Limited Epilepsy with Mental Retardation. Identifiers: Orphanet 101039, Orphanet 2076, MedGen C1848137, MONDO:0010246, OMIM 300088. Disease mechanism: loss of function.

Submission:

Labcorp Genetics (formerly Invitae), Labcorp
Classification: Pathogenic for Developmental and epileptic encephalopathy, 9. Last evaluated: 2022-01-12. Review status: criteria provided, single submitter. Criteria: Invitae Variant Classification Sherloc (09022015). Collection method: clinical testing. Allele origin: germline.
Comment: For these reasons, this variant has been classified as Pathogenic. ClinVar contains an entry for this variant (Variation ID: 959961). This variant has not been reported in the literature in individuals affected with PCDH19-related conditions. This variant is not present in population databases (gnomAD no frequency). This sequence change creates a premature translational stop signal (p.Glu135*) in the PCDH19 gene. It is expected to result in an absent or disrupted protein product. Loss-of-function variants in PCDH19 are known to be pathogenic (PMID: 21053371).

Literature cited by the submitters: PubMed 21053371.

NM_001184880.2(PCDH19):c.403G>T (p.Glu135Ter)

Gene: PCDH19 (protocadherin 19; minus strand). Cytogenetic location: Xq22.1.
Variant type: single nucleotide variant.
Coding change: c.403G>T on transcript NM_001184880.2 (MANE Select); coding-DNA position 403, G replaced by T.
Protein change: p.Glu135Ter; replaces glutamic acid 135 with a stop codon.
Molecular consequence: nonsense.
Genome position (GRCh38, 1-based): chrX:100,408,195, C>A on the plus strand (G>T on the coding strand, the complement: PCDH19 is on the minus strand). VCF-style: chrX-100408195-C-A. GRCh37 (hg19) VCF-style: chrX-99663193-C-A.
Other names: c.403G>T, p.Glu135Ter (NM_001105243.2, NM_020766.3); short protein forms E135*.
Identifiers: ClinVar variation 959961 (VCV000959961.8), dbSNP rs759398718, ClinGen allele CA414009854.